The following is an entry in ClinVar:

ClinVar aggregate classification (germline): Uncertain significance (1 of 4 stars; one submission).

Allele frequency attached by ClinVar (database versions not stated): gnomAD 0.00001; TOPMed 0.00001.
gnomAD v4.1: 1 of 1,614,018 alleles (0.000062%); highest among the groups gnomAD compares: Admixed American, 0.0017%; no homozygotes.

Submission:

Ambry Genetics
Classification: Uncertain significance. Last evaluated: 2022-12-07. Review status: criteria provided, single submitter. Criteria: Ambry Variant Classification Scheme 2023. Collection method: clinical testing. Allele origin: germline.
Comment: The p.V104I variant (also known as c.310G>A), located in coding exon 3 of the ALPK2 gene, results from a G to A substitution at nucleotide position 310. The valine at codon 104 is replaced by isoleucine, an amino acid with highly similar properties. This amino acid position is conserved. In addition, this alteration is predicted to be tolerated by in silico analysis. Since supporting evidence is limited at this time, the clinical significance of this alteration remains unclear.

NM_052947.4(ALPK2):c.310G>A (p.Val104Ile)

Gene: ALPK2 (alpha kinase 2; minus strand). Cytogenetic location: 18q21.31.
Variant type: single nucleotide variant.
Coding change: c.310G>A on transcript NM_052947.4 (MANE Select); coding-DNA position 310, G replaced by A.
Protein change: p.Val104Ile; replaces valine 104 with isoleucine.
Molecular consequence: missense variant.
Genome position (GRCh38, 1-based): chr18:58,580,466, C>T on the plus strand (G>A on the coding strand, the complement: ALPK2 is on the minus strand). VCF-style: chr18-58580466-C-T. GRCh37 (hg19) VCF-style: chr18-56247698-C-T.
Other names: short protein forms V104I.
Identifiers: ClinVar variation 2497259 (VCV002497259.2), dbSNP rs2051952685, ClinGen allele CA402568265.